The following is an entry in ClinVar:

NM_001243279.3(ACSF3):c.538G>C (p.Glu180Gln)

Gene: ACSF3 (acyl-CoA synthetase family member 3; plus strand). Cytogenetic location: 16q24.3.
Variant type: single nucleotide variant.
Coding change: c.538G>C on transcript NM_001243279.3 (MANE Select); coding-DNA position 538, G replaced by C.
Protein change: p.Glu180Gln; replaces glutamic acid 180 with glutamine.
Molecular consequence: missense variant. On other transcripts: non-coding transcript variant (3), intron variant (1).
Genome position (GRCh38, 1-based): chr16:89,101,219, G>C. VCF-style: chr16-89101219-G-C. GRCh37 (hg19) VCF-style: chr16-89167627-G-C.
Other names: c.538G>C, p.Glu180Gln (NM_001127214.4, NM_174917.5); c.-129-1385G>C (NM_001284316.2); short protein forms E180Q.
Identifiers: ClinVar variation 2104992 (VCV002104992.4), dbSNP rs2543523931, ClinGen allele CA397135077.

ClinVar aggregate classification (germline): Uncertain significance (1 of 4 stars; one submission).

Conditions:
Combined malonic and methylmalonic acidemia. Identifiers: Orphanet 289504, MedGen C3280314, MONDO:0013661, OMIM 614265.

Allele frequency attached by ClinVar (database versions not stated): gnomAD exomes below 0.00001.
gnomAD v4.1: 2 of 1,603,628 alleles (0.00012%); highest among the groups gnomAD compares: East Asian, 0.0022%; no homozygotes.

Submission:

Labcorp Genetics (formerly Invitae), Labcorp
Classification: Uncertain significance for Combined malonic and methylmalonic acidemia. Last evaluated: 2022-03-28. Review status: criteria provided, single submitter. Criteria: Invitae Variant Classification Sherloc (09022015). Collection method: clinical testing. Allele origin: germline.
Comment: In summary, the available evidence is currently insufficient to determine the role of this variant in disease. Therefore, it has been classified as a Variant of Uncertain Significance. Algorithms developed to predict the effect of missense changes on protein structure and function (SIFT, PolyPhen-2, Align-GVGD) all suggest that this variant is likely to be tolerated. This variant has not been reported in the literature in individuals affected with ACSF3-related conditions. This variant is not present in population databases (gnomAD no frequency). This sequence change replaces glutamic acid, which is acidic and polar, with glutamine, which is neutral and polar, at codon 180 of the ACSF3 protein (p.Glu180Gln).